The following is an entry in ClinVar:

ClinVar aggregate classification (germline): Pathogenic (1 of 4 stars; one submission).

Submission:

Labcorp Genetics (formerly Invitae), Labcorp
Classification: Pathogenic. Last evaluated: 2023-12-04. Review status: criteria provided, single submitter. Criteria: Invitae Variant Classification Sherloc (09022015). Collection method: clinical testing. Allele origin: germline.
Comment: This sequence change creates a premature translational stop signal (p.Gly391Valfs*13) in the COL4A4 gene. It is expected to result in an absent or disrupted protein product. Loss-of-function variants in COL4A4 are known to be pathogenic (PMID: 21196518, 24854265, 25307543). This variant is not present in population databases (gnomAD no frequency). This variant has not been reported in the literature in individuals affected with COL4A4-related conditions. For these reasons, this variant has been classified as Pathogenic.

Literature cited by the submitters: PubMed 21196518; PubMed 24854265; PubMed 25307543.

NM_000092.5(COL4A4):c.1172del (p.Gly391fs)

Gene: COL4A4 (collagen type IV alpha 4 chain; minus strand). Cytogenetic location: 2q36.3.
Variant type: Deletion.
Coding change: c.1172del on transcript NM_000092.5 (MANE Select); coding-DNA position 1172, one base deleted (G; older notation c.1172delG).
Protein change: p.Gly391fs; shifts the reading frame from glycine 391.
Molecular consequence: frameshift variant.
Genome position (GRCh38, 1-based): chr2:227,098,726, C deleted on the plus strand (G on the coding strand, the reverse complement: COL4A4 is on the minus strand); the first of 2 consecutive C bases (chr2:227,098,726-227,098,727); deleting either gives the same sequence. VCF-style (leftmost placement, unchanged base first): chr2-227098725-AC-A. GRCh37 (hg19) VCF-style: chr2-227963441-AC-A.
Other names: short protein forms G391fs.
Identifiers: ClinVar variation 2700794 (VCV002700794.3), dbSNP rs2475418602, ClinGen allele CA2697550510.
Genomic context (GRCh38, chr2:227,098,725, plus strand): 5'-AAAGCCAGGGCACATCAGGGCATCCGTACCTGCACAGGCTTCCCCTGGTCTGCCCAAGAG[AC>A]CTGGGGGACCAGGTGGTCCAACATCCCCTGTTTCTCCATAGCGGCCAGGGAACCCTGGGT-3'